The following is an entry in ClinVar:

NM_000059.4(BRCA2):c.5406A>C (p.Gln1802His)

Gene: BRCA2 (BRCA2 DNA repair associated; plus strand). Cytogenetic location: 13q13.1.
Variant type: single nucleotide variant.
Coding change: c.5406A>C on transcript NM_000059.4 (MANE Select); coding-DNA position 5406, A replaced by C.
Protein change: p.Gln1802His; replaces glutamine 1802 with histidine.
Molecular consequence: missense variant.
Genome position (GRCh38, 1-based): chr13:32,339,761, A>C. VCF-style: chr13-32339761-A-C. GRCh37 (hg19) VCF-style: chr13-32913898-A-C.
Other names: p.Q1802H:CAA>CAC; short protein forms Q1802H.
Identifiers: ClinVar variation 182217 (VCV000182217.35), dbSNP rs139302211, ClinGen allele CA022262.

ClinVar aggregate classification (germline): Conflicting classifications of pathogenicity. Review status: criteria provided, conflicting classifications (1 of 4 stars). 11 submissions from 11 submitters: Uncertain significance (9); Likely benign (1). 1 of the submissions does not count toward it. Last evaluated 2025-12-09.

Conditions:
BRCA2-related cancer predisposition. Identifiers: MedGen CN377758, MONDO:0700269.
BRCA2-related disorder. Also called: BRCA2-related condition; BRCA2-related disorders. Identifiers: MedGen CN239275.
Hereditary cancer-predisposing syndrome. Also called: Tumor predisposition; Hereditary Cancer Syndrome; Hereditary neoplastic syndrome; Neoplastic Syndromes, Hereditary. Identifiers: Orphanet 140162, MedGen C0027672, MeSH D009386, MONDO:0015356.
Hereditary breast ovarian cancer syndrome. Also called: Breast and ovarian cancer; Hereditary breast and ovarian cancer; Hereditary breast and/or ovarian cancer syndrome; BRCA1- and BRCA2-Associated Hereditary Breast and Ovarian Cancer; Hereditary breast and ovarian cancer syndrome (HBOC); Hereditary breast and ovarian cancer syndrome. Identifiers: Orphanet 145, MedGen C0677776, MeSH D061325, MONDO:0003582. Disease mechanism: loss of function.

Allele frequency attached by ClinVar (database versions not stated): gnomAD exomes below 0.00001 and 0.00001; gnomAD 0.00001; TOPMed 0.00001; ExAC 0.00002; ESP Exome Variant Server 0.00008.
gnomAD v4.1: 3 of 1,613,858 alleles (0.00019%); highest among the groups gnomAD compares: Non-Finnish European, 0.00025%; no homozygotes.

Submissions (11):

Women's Health and Genetics/Laboratory Corporation of America, LabCorp
Classification: Uncertain significance. Last evaluated: 2025-12-09. Review status: criteria provided, single submitter. Criteria: LabCorp Variant Classification Summary - May 2015. Collection method: clinical testing. Allele origin: germline.
Comment: Variant summary: BRCA2 c.5406A>C (p.Gln1802His) results in a non-conservative amino acid change in the encoded protein sequence. Three of five in-silico tools predict a damaging effect of the variant on protein function. The variant allele was found at a frequency of 8e-06 in 251128 control chromosomes. The available data on variant occurrences in the general population are insufficient to allow any conclusion about variant significance. c.5406A>C has been reported in the literature in screening studies associated with Breast Cancer and/or Prostate Cancer (Huang_2018, Yang_2022). These report(s) do not provide unequivocal conclusions about association of the variant with Prostate Cancer. To our knowledge, no experimental evidence demonstrating an impact on protein function has been reported. The following publications have been ascertained in the context of this evaluation (PMID: 29625052, 36451132). ClinVar contains an entry for this variant (Variation ID: 182217). Based on the evidence outlined above, the variant was classified as uncertain significance.

Labcorp Genetics (formerly Invitae), Labcorp
Classification: Uncertain significance for Hereditary breast ovarian cancer syndrome. Last evaluated: 2025-11-24. Review status: criteria provided, single submitter. Criteria: Invitae Variant Classification Sherloc (09022015). Collection method: clinical testing. Allele origin: germline.
Comment: This sequence change replaces glutamine, which is neutral and polar, with histidine, which is basic and polar, at codon 1802 of the BRCA2 protein (p.Gln1802His). This variant is present in population databases (rs139302211, gnomAD 0.007%). This missense change has been observed in individual(s) with breast cancer and/or prostate cancer (PMID: 26689913, 29625052, 36451132). ClinVar contains an entry for this variant (Variation ID: 182217). Invitae Evidence Modeling of protein sequence and biophysical properties (such as structural, functional, and spatial information, amino acid conservation, physicochemical variation, residue mobility, and thermodynamic stability) indicates that this missense variant is not expected to disrupt BRCA2 protein function with a negative predictive value of 95%. In summary, the available evidence is currently insufficient to determine the role of this variant in disease. Therefore, it has been classified as a Variant of Uncertain Significance.

Ambry Genetics
Classification: Uncertain significance for Hereditary cancer-predisposing syndrome. Last evaluated: 2025-05-24. Review status: criteria provided, single submitter. Criteria: Ambry Variant Classification Scheme 2023. Collection method: clinical testing. Allele origin: germline.
Comment: The p.Q1802H variant (also known as c.5406A>C), located in coding exon 10 of the BRCA2 gene, results from an A to C substitution at nucleotide position 5406. The glutamine at codon 1802 is replaced by histidine, an amino acid with highly similar properties. This variant has been identified in two individuals from a cohort of 4034 cancer cases from The Cancer Genome Atlas (Lu C et al. Nat Commun. 2015 Dec 22;6:10086). This amino acid position is well conserved in available vertebrate species. In addition, this alteration is predicted to be tolerated by in silico analysis. Based on the available evidence, the clinical significance of this variant remains unclear.

Mayo Clinic Laboratories, Mayo Clinic
Classification: Uncertain significance. Last evaluated: 2025-02-28. Review status: criteria provided, single submitter. Criteria: ACMG Guidelines, 2015. Collection method: clinical testing. Allele origin: germline. Observed: 1 variant allele.
Comment: BP1_strong

All of Us Research Program, National Institutes of Health
Classification: Uncertain significance for BRCA2-related cancer predisposition. Last evaluated: 2024-07-10. Review status: criteria provided, single submitter. Criteria: ACMG Guidelines, 2015. Collection method: clinical testing. Allele origin: germline. Inheritance: Autosomal dominant inheritance. Observed: 2 variant alleles, 2 heterozygotes.
Comment: This missense variant replaces glutamine with histidine at codon 1802 of the BRCA2 protein. Computational prediction suggests that this variant may not impact protein structure and function (internally defined REVEL score threshold <= 0.5, PMID: 27666373). To our knowledge, functional studies have not been reported for this variant. This variant has been reported in at least two individuals affected with breast cancer and in one unaffected individual (PMID: 26689913, 29625052, 33471991; Leiden Open Variation Database DB-ID BRCA2_008335). This variant has been identified in 2/251128 chromosomes in the general population by the Genome Aggregation Database (gnomAD). The available evidence is insufficient to determine the role of this variant in disease conclusively. Therefore, this variant is classified as a Variant of Uncertain Significance.

This study involves interpretation of variants in research participants for the purpose of population health screening. Participant phenotype was not available at the time of variant classification. Additional details can be found in publication PMID: 35346344, PMCID: PMC8962531

ARUP Laboratories, Molecular Genetics and Genomics, ARUP Laboratories
Classification: Uncertain significance. Last evaluated: 2023-10-19. Review status: criteria provided, single submitter. Criteria: ARUP Molecular Germline Variant Investigation Process 2024. Collection method: clinical testing. Allele origin: germline.
Comment: The BRCA2 c.5406A>C; p.Gln1802His variant (rs139302211) is reported in the literature in individuals affected with breast or prostate cancer (Huang 2018, Lu 2015). This variant is also reported in ClinVar (Variation ID: 182217), but is only observed on two alleles in the Genome Aggregation Database, indicating it is not a common polymorphism. Computational analyses are uncertain whether this variant is neutral or deleterious (REVEL: 0.168), and this variant is not within a known clinically important functional domain (Dines 2020). However, given the lack of clinical and functional data, the significance of this variant is uncertain at this time. References: Dines JN, Shirts BH, Slavin TP, Walsh T, King MC, Fowler DM, Pritchard CC. Systematic misclassification of missense variants in BRCA1 and BRCA2 "coldspots". Genet Med. 2020 May;22(5):825-830. PMID: 31911673. Huang KL et al. Pathogenic Germline Variants in 10,389 Adult Cancers. Cell. 2018 Apr 5;173(2):355-370.e14. PMID: 29625052. Lu C et al. Patterns and functional implications of rare germline variants across 12 cancer types. Nat Commun. 2015 Dec 22;6:10086. PMID: 26689913.

Color Diagnostics, LLC DBA Color Health
Classification: Uncertain significance for Hereditary cancer-predisposing syndrome. Last evaluated: 2023-07-25. Review status: criteria provided, single submitter. Criteria: ACMG Guidelines, 2015. Collection method: clinical testing. Allele origin: germline.
Comment: This missense variant replaces glutamine with histidine at codon 1802 of the BRCA2 protein. Computational prediction suggests that this variant may not impact protein structure and function (internally defined REVEL score threshold <= 0.5, PMID: 27666373). To our knowledge, functional studies have not been reported for this variant. This variant has been reported in at least two individuals affected with breast cancer and in one unaffected individual (PMID: 26689913, 29625052, 33471991; Leiden Open Variation Database DB-ID BRCA2_008335). This variant has been identified in 2/251128 chromosomes in the general population by the Genome Aggregation Database (gnomAD). The available evidence is insufficient to determine the role of this variant in disease conclusively. Therefore, this variant is classified as a Variant of Uncertain Significance.

University of Washington Department of Laboratory Medicine, University of Washington
Classification: Likely benign for Hereditary cancer-predisposing syndrome. Last evaluated: 2023-03-23. Review status: criteria provided, single submitter. Criteria: Dines et al. (Genet Med. 2020). Collection method: curation. Allele origin: germline.
Comment: Missense variant in a coldspot region where missense variants are very unlikely to be pathogenic (PMID:31911673).

BRCA2 exon 11 coldspot. Reclassification based on statistical prior probability.

GeneDx
Classification: Uncertain significance. Last evaluated: 2022-11-11. Review status: criteria provided, single submitter. Criteria: GeneDx Variant Classification Process June 2021. Collection method: clinical testing. Allele origin: germline. Affected: yes.
Comment: Observed in individuals with breast or prostate cancer (Lu et al., 2015; Huang et al., 2018); Not observed at significant frequency in large population cohorts (gnomAD); In silico analysis supports that this missense variant has a deleterious effect on protein structure/function; Also known as 5634A>C; This variant is associated with the following publications: (PMID: 26689913, 29625052)

Quest Diagnostics Nichols Institute San Juan Capistrano
Classification: Uncertain significance. Last evaluated: 2019-11-11. Review status: criteria provided, single submitter. Criteria: Quest Diagnostics criteria. Collection method: clinical testing. Allele origin: unknown.

PreventionGenetics, part of Exact Sciences
Classification: Uncertain significance for BRCA2-related condition. Last evaluated: 2024-08-13. Review status: no assertion criteria provided. Collection method: clinical testing. Allele origin: germline. Not counted in ClinVar's aggregate classification.
Comment: The BRCA2 c.5406A>C variant is predicted to result in the amino acid substitution p.Gln1802His. This variant has been reported in individuals with breast and prostate cancer (Table S2B, Huang et al. 2018. PubMed ID: 29625052). However, it has also been observed at similar frequencies in breast cancer patients and non-cancer controls in a large association study (Supplemental Data, Breast Cancer Association Consortium et al. 2021. PubMed ID: 33471991). This variant is reported in 0.0062% of alleles in individuals of African descent in gnomAD and is interpreted as uncertain by multiple laboratories in ClinVar. This variant occurs within a region of the BRCA2 gene that is predicted to be tolerant to missense variation (Table 2, Dines et al. 2020. PubMed ID: 31911673). Although we suspect that this variant may be benign, the clinical significance of this variant is uncertain at this time due to the absence of conclusive functional and genetic evidence.

Literature cited by the submitters: PubMed 29625052 (cited by 4 submitters); PubMed 36451132 (cited by Women's Health and Genetics/Laboratory Corporation of America, LabCorp and Labcorp Genetics (formerly Invitae), Labcorp); PubMed 26689913 (cited by 4 submitters); PubMed 33471991 (cited by All of Us Research Program, National Institutes of Health and Color Diagnostics, LLC DBA Color Health).